The following is an entry in ClinVar:

NC_000003.11:g.(?_193336638)_(193344011_?)del

Gene: OPA1 (OPA1 mitochondrial dynamin like GTPase; plus strand). Cytogenetic location: 3q29.
Variant type: Deletion.
Identifiers: ClinVar variation 1458650 (VCV001458650.6).

ClinVar aggregate classification (germline): Pathogenic (1 of 4 stars; one submission).

Submission:

Labcorp Genetics (formerly Invitae), Labcorp
Classification: Pathogenic. Last evaluated: 2020-11-11. Review status: criteria provided, single submitter. Criteria: Invitae Variant Classification Sherloc (09022015). Collection method: clinical testing. Allele origin: germline.
Comment: This variant is a gross deletion of the genomic region encompassing exon(s) 5 of the OPA1 gene. This deletion is out-of-frame, and is expected to create a premature translational stop signal and result in an absent or disrupted protein product. Loss-of-function variants in OPA1 are known to be pathogenic (PMID: 11440988, 20157015, 20952381, 25012220). This variant has not been reported in the literature in individuals with OPA1-related conditions. For these reasons, this variant has been classified as Pathogenic.

Literature cited by the submitters: PubMed 11440988; PubMed 20157015; PubMed 20952381; PubMed 25012220.